The following is an entry in ClinVar:

NM_006245.4(PPP2R5D):c.691G>A (p.Ala231Thr)

Gene: PPP2R5D (protein phosphatase 2 regulatory subunit B'delta; plus strand). Cytogenetic location: 6p21.1.
Variant type: single nucleotide variant.
Coding change: c.691G>A on transcript NM_006245.4 (MANE Select); coding-DNA position 691, G replaced by A.
Protein change: p.Ala231Thr; replaces alanine 231 with threonine.
Molecular consequence: missense variant.
Genome position (GRCh38, 1-based): chr6:43,007,471, G>A. VCF-style: chr6-43007471-G-A. GRCh37 (hg19) VCF-style: chr6-42975209-G-A.
Other names: c.238G>A, p.Ala80Thr (NM_001270476.2); c.595G>A, p.Ala199Thr (NM_180976.3); c.373G>A, p.Ala125Thr (NM_180977.3); short protein forms A80T, A125T, A231T, A199T.
Identifiers: ClinVar variation 2230678 (VCV002230678.4), dbSNP rs1479382253, ClinGen allele CA364187821.

ClinVar aggregate classification (germline): Uncertain significance. Review status: criteria provided, multiple submitters, no conflicts (2 of 4 stars). 2 submissions from 2 submitters: Uncertain significance (2). Last evaluated 2024-09-05.

Conditions:
Inborn genetic diseases. Identifiers: MedGen C0950123, MeSH D030342.

Allele frequency attached by ClinVar (database versions not stated): TOPMed 0.00001.

Submissions (2):

Labcorp Genetics (formerly Invitae), Labcorp
Classification: Uncertain significance. Last evaluated: 2024-09-05. Review status: criteria provided, single submitter. Criteria: Invitae Variant Classification Sherloc (09022015). Collection method: clinical testing. Allele origin: germline.
Comment: This sequence change replaces alanine, which is neutral and non-polar, with threonine, which is neutral and polar, at codon 231 of the PPP2R5D protein (p.Ala231Thr). This variant is not present in population databases (gnomAD no frequency). This variant has not been reported in the literature in individuals affected with PPP2R5D-related conditions. ClinVar contains an entry for this variant (Variation ID: 2230678). An algorithm developed to predict the effect of missense changes on protein structure and function (PolyPhen-2) suggests that this variant is likely to be disruptive. In summary, the available evidence is currently insufficient to determine the role of this variant in disease. Therefore, it has been classified as a Variant of Uncertain Significance.

Ambry Genetics
Classification: Uncertain significance for Inborn genetic diseases. Last evaluated: 2021-04-14. Review status: criteria provided, single submitter. Criteria: Ambry Variant Classification Scheme 2023. Collection method: clinical testing. Allele origin: germline.